The following is an entry in ClinVar:

ClinVar aggregate classification (germline): Likely pathogenic (1 of 4 stars; one submission).

Conditions:
Anophthalmia-microphthalmia syndrome. Also called: Anophthalmia/Microphthalmia; Anophthalmia - microphthalmia. Identifiers: Orphanet 98555, MedGen C5680330, MONDO:0020147.

Submission:

Paul Sabatier University EA-4555, Paul Sabatier University
Classification: Likely pathogenic. Last evaluated: 2013-01-01. Review status: criteria provided, single submitter. Criteria: Chassaing et al. (Genome Res. 2016). Collection method: clinical testing, research. Allele origin: unknown. Inheritance: Autosomal dominant inheritance. Affected: yes. Observed: 1 heterozygote. Functional consequence: loss_of_function_variant.
Comment: rare variant, functional studies demonstrating is deleterious effect on protein.

NM_000264.5(PTCH1):c.2332A>C (p.Thr778Pro)

Genes: PTCH1 (patched 1; minus strand), LOC100507346 (uncharacterized LOC100507346; plus strand). Cytogenetic location: 9q22.32.
Variant type: single nucleotide variant.
Coding change: c.2332A>C on transcript NM_000264.5 (MANE Select); coding-DNA position 2332, A replaced by C.
Protein change: p.Thr778Pro; replaces threonine 778 with proline.
Molecular consequence: missense variant. On other transcripts: non-coding transcript variant (1).
Genome position (GRCh38, 1-based): chr9:95,467,344, T>G on the plus strand (A>C on the coding strand, the complement: PTCH1 is on the minus strand). VCF-style: chr9-95467344-T-G. GRCh37 (hg19) VCF-style: chr9-98229626-T-G.
Other names: c.2134A>C, p.Thr712Pro (NM_001083602.3); c.2329A>C, p.Thr777Pro (NM_001083603.3); c.1879A>C, p.Thr627Pro (NM_001083604.3, NM_001083605.3, NM_001083606.3 and 1 more transcripts); c.2176A>C, p.Thr726Pro (NM_001354918.2); short protein forms T712P, T778P, T627P, T726P, T777P.
Identifiers: ClinVar variation 221969 (VCV000221969.2), dbSNP rs869025270, ClinGen allele CA351583.